The following is an entry in ClinVar:

ClinVar aggregate classification (germline): Uncertain significance (1 of 4 stars; one submission).

Allele frequency attached by ClinVar (database versions not stated): gnomAD exomes below 0.00001; ExAC 0.00001; gnomAD 0.00001.
gnomAD v4.1: 1 of 1,612,956 alleles (0.000062%); highest among the groups gnomAD compares: Non-Finnish European, 0.000085%; no homozygotes.

Submission:

Laboratory for Molecular Medicine, Mass General Brigham Personalized Medicine
Classification: Uncertain significance. Last evaluated: 2017-05-16. Review status: criteria provided, single submitter. Criteria: LMM Criteria. Collection method: clinical testing. Allele origin: germline. Observed: 1 variant allele.
Comment: The c.115-12A>T variant in TRIOBP has not been previously reported in individual s with hearing loss, but has been identified in 1/110434 European chromosomes by the genome Aggregation Database (gnomAD; dbS NP rs781452420). Although this variant has been seen in the general population, its frequency is not high enough to rule out a pathogenic role. This variant is located in the 3' splice region. Computational tools do not suggest an impact to splicing. However, this information is not predictive enough to rule out pathog enicity. In summary, the clinical significance of the c.115-12A>T variant is unc ertain.

NM_001039141.3(TRIOBP):c.115-12A>T

Gene: TRIOBP (TRIO and F-actin binding protein; plus strand). Cytogenetic location: 22q13.1.
Variant type: single nucleotide variant.
Coding change: c.115-12A>T on transcript NM_001039141.3 (MANE Select); 12 bases into the intron before coding-DNA position 115, A replaced by T.
Molecular consequence: intron variant.
Genome position (GRCh38, 1-based): chr22:37,710,415, A>T. VCF-style: chr22-37710415-A-T. GRCh37 (hg19) VCF-style: chr22-38106422-A-T.
Identifiers: ClinVar variation 517391 (VCV000517391.5), dbSNP rs781452420, ClinGen allele CA10223249.
Genomic context (GRCh38, chr22:37,710,415, plus strand): 5'-GAGGGGCTGTGCAGGGGGAGGGGAGCCCCCACGTGGGCGCTGAGCTGTCTCCTCTCTCCA[A>T]CCCTGGCCCAGGAGCTCAGGAGCCCTTCAGGTGCTGAGGTGCCCTACTGCGACCTGCCTC-3'